The following is an entry in ClinVar:

ClinVar aggregate classification (germline): Pathogenic/Likely pathogenic. Review status: criteria provided, multiple submitters, no conflicts (2 of 4 stars). 8 submissions from 8 submitters: Pathogenic (5); Likely pathogenic (1). 2 of the submissions do not count toward it. Last evaluated 2025-10-12.

Conditions:
Hereditary cancer-predisposing syndrome. Also called: Tumor predisposition; Neoplastic Syndromes, Hereditary; Hereditary neoplastic syndrome; Hereditary Cancer Syndrome. Identifiers: Orphanet 140162, MedGen C0027672, MeSH D009386, MONDO:0015356.
Von Hippel-Lindau syndrome (VHLS). Also called: Von Hippel-Lindau; VHL syndrome; von Hippel–Lindau syndrome. Identifiers: Orphanet 892, MedGen C0019562, MONDO:0008667, OMIM 193300. Disease mechanism: loss of function.
Chuvash polycythemia. Also called: POLYCYTHEMIA, VHL-DEPENDENT. Identifiers: Orphanet 238557, MedGen C1837915, MONDO:0009892, OMIM 263400.

Submissions (8):

Mayo Clinic Laboratories, Mayo Clinic
Classification: Pathogenic. Last evaluated: 2025-10-12. Review status: criteria provided, single submitter. Criteria: ACMG Guidelines, 2015. Collection method: clinical testing. Allele origin: germline. Observed: 1 variant allele.
Comment: PP1_moderate, PP3, PM2_supporting, PS4

Women's Health and Genetics/Laboratory Corporation of America, LabCorp
Classification: Pathogenic for Von Hippel-Lindau syndrome. Last evaluated: 2025-05-13. Review status: criteria provided, single submitter. Criteria: LabCorp Variant Classification Summary - May 2015. Collection method: clinical testing. Allele origin: germline.
Comment: Variant summary: VHL c.467A>G (p.Tyr156Cys) results in a non-conservative amino acid change in the encoded protein sequence. Algorithms developed to predict the effect of missense changes on protein structure and function are either unavailable or do not agree on the potential impact of this missense change. The variant was absent in 251252 control chromosomes. c.467A>G has been observed in multiple individuals and family members affected with Von Hippel-Lindau Syndrome (e.g. Dolfus_2002, Neumann_2002, Gergics_2009, Nordstrom OBrien_2010, Bausch_2014, Naseripour_2023). These data indicate that the variant is very likely to be associated with disease. The following publications have been ascertained in the context of this evaluation (PMID: 12202531, 15300849, 12000816, 36715412, 12807974, 19574279, 20151405). ClinVar contains an entry for this variant (Variation ID: 43600). Based on the evidence outlined above, the variant was classified as pathogenic.

Labcorp Genetics (formerly Invitae), Labcorp
Classification: Pathogenic for Von Hippel-Lindau syndrome; Chuvash polycythemia. Last evaluated: 2025-02-19. Review status: criteria provided, single submitter. Criteria: Invitae Variant Classification Sherloc (09022015). Collection method: clinical testing. Allele origin: germline.
Comment: This sequence change replaces tyrosine, which is neutral and polar, with cysteine, which is neutral and slightly polar, at codon 156 of the VHL protein (p.Tyr156Cys). This variant is not present in population databases (gnomAD no frequency). This missense change has been observed in individuals with pheochromocytoma and/or paraganglioma, likely representing von Hippel-Lindau syndrome type 2C (PMID: 12000816, 16314641, 19029228, 19336503, 20151405; internal data). ClinVar contains an entry for this variant (Variation ID: 43600). Invitae Evidence Modeling of protein sequence and biophysical properties (such as structural, functional, and spatial information, amino acid conservation, physicochemical variation, residue mobility, and thermodynamic stability) indicates that this missense variant is expected to disrupt VHL protein function with a positive predictive value of 95%. Experimental studies are conflicting or provide insufficient evidence to determine the effect of this variant on VHL function (PMID: 19763184). This variant disrupts the p.Tyr156 amino acid residue in VHL. Other variant(s) that disrupt this residue have been observed in individuals with VHL-related conditions (PMID: 12000816, 19763184), which suggests that this may be a clinically significant amino acid residue. For these reasons, this variant has been classified as Pathogenic.

GeneDx
Classification: Pathogenic. Last evaluated: 2024-07-15. Review status: criteria provided, single submitter. Criteria: GeneDx Variant Classification Process June 2021. Collection method: clinical testing. Allele origin: germline. Affected: yes.
Comment: Not observed at significant frequency in large population cohorts (gnomAD); In silico analysis supports that this missense variant has a deleterious effect on protein structure/function; Published functional studies demonstrate increase in lactate dehydrogenase activity and absence of expression of p53 and TIGAR (PMID: 19763184); This variant is associated with the following publications: (PMID: 23707781, 19958924, 22517557, 20151405, 19576851, 8634692, 19336503, 12000816, 14500403, 19574279, 16314641, 15300849, 18836774, 12807974, 19029228, 24132471, 25825477, 20818339, 30787465, 36715412, 34937752, 29748190, 37529773, 9829912, 19763184, 20660572, 12202531)

Institute for Genomic Medicine (IGM) Clinical Laboratory, Nationwide Children's Hospital
Classification: Likely pathogenic for Von Hippel-Lindau syndrome. Last evaluated: 2023-03-05. Review status: criteria provided, single submitter. Criteria: ACMG Guidelines, 2015. Collection method: clinical testing. Allele origin: germline.
Comment: This variant has been reported at an elevated frequency in affected individuals/in multiple affected individuals in the literature (ACMG/AMP: PS4; PMIDs:12000816, 16314641, 19029228, 20151405, 19574279). This variant is absent from or present at an exceedingly low frequency in gnomAD, a large-scale control population database (ACMG/AMP: PM2). This variant occurs in a gene with a low rate of benign missense variation, in which missense alterations are a common mechanism of disease (ACMG/AMP: PP2; PMID:20151405).

Ambry Genetics
Classification: Pathogenic for Hereditary cancer-predisposing syndrome. Last evaluated: 2022-06-08. Review status: criteria provided, single submitter. Criteria: Ambry Variant Classification Scheme 2023. Collection method: clinical testing. Allele origin: germline.
Comment: The p.Y156C pathogenic mutatio (also known as c.467A>G), located in coding exon 3 of the VHL gene, results from an A to G substitution at nucleotide position 467. The tyrosine at codon 156 is replaced by cysteine, an amino acid with highly dissimilar properties. This alteration has been identified in numerous von Hippel Lindau (VHL) cohorts, predominantly in individuals believed to have VHL type 2C, characterized by familial pheochromocytoma in the absence of other VHL-associated lesions (Amar L et al. J. Clin. Oncol. 2005 Dec; 23(34):8812-8; Olschwang S et al. Hum. Mutat. 1998; 12(6):424-30; Neumann HP et al. N. Engl. J. Med. 2002 May; 346(19):1459-66; Gergics P et al. Eur. J. Endocrinol. 2009 Sep; 161(3):495-502; Erlic Z et al. Endocr. Relat. Cancer. 2010 Dec; 17(4):875-83; Gallou C et al. Hum. Mutat. 2004 Sep; 24(3):215-24; Boedeker CC et al. J. Clin. Endocrinol. Metab. 2009 Jun; 94(6):1938-44; Kruizinga RC et al. Endocr. Relat. Cancer. 2014 Feb;21:63-71). However, at least one reported proband also had a retinal hemangioblastoma (Dollfus H et al. Invest. Ophthalmol. Vis. Sci. 2002 Sep; 43(9):3067-74), another had a pancreatic neuroendocrine tumor (Erlic Z et al. Endocr. Relat. Cancer. 2010 Dec; 17(4):875-83), and another also had a renal cyst (Kruizinga RC et al. Endocr. Relat. Cancer. 2014 Feb;21:63-71). Based on internal structural analysis, Y156C is deleterious and is mildly destabilizing to the local structure (Ambry internal data). This variant is considered to be rare based on population cohorts in the Genome Aggregation Database (gnomAD). This amino acid position is well conserved in available vertebrate species. In addition, this alteration is predicted to be deleterious by in silico analysis. Based on the supporting evidence, this alteration is interpreted as a disease-causing mutation.

Genomic Diagnostic Laboratory, Division of Genomic Diagnostics, Children's Hospital of Philadelphia
Classification: Pathogenic for Von Hippel-Lindau syndrome. Last evaluated: 2016-02-26. Review status: no assertion criteria provided. Collection method: clinical testing. Allele origin: germline. Affected: yes. Observed: 11 variant alleles. Not counted in ClinVar's aggregate classification.

Laboratory for Molecular Medicine, Mass General Brigham Personalized Medicine
Classification: Pathogenic for Von Hippel-Lindau syndrome. Last evaluated: 2008-08-13. Review status: no assertion criteria provided. Collection method: clinical testing. Allele origin: germline. Observed: 2 variant alleles. Not counted in ClinVar's aggregate classification.

Literature cited by the submitters: PubMed 12000816 (cited by 6 submitters); PubMed 12202531 (cited by 4 submitters); PubMed 12807974 (cited by 3 submitters); PubMed 14500403 (cited by Mayo Clinic Laboratories, Mayo Clinic and Laboratory for Molecular Medicine, Mass General Brigham Personalized Medicine); PubMed 15300849 (cited by 4 submitters); PubMed 16314641 (cited by 5 submitters); PubMed 19029228 (cited by 4 submitters); PubMed 19336503 (cited by 4 submitters); PubMed 19574279 (cited by 5 submitters); PubMed 19763184 (cited by 3 submitters); PubMed 19958924 (cited by 3 submitters); PubMed 20151405 (cited by 5 submitters); PubMed 24132471 (cited by Mayo Clinic Laboratories, Mayo Clinic and Ambry Genetics); PubMed 29748190 (cited by Mayo Clinic Laboratories, Mayo Clinic and Ambry Genetics); PubMed 34937752 (cited by Mayo Clinic Laboratories, Mayo Clinic); PubMed 36715412 (cited by Mayo Clinic Laboratories, Mayo Clinic and Women's Health and Genetics/Laboratory Corporation of America, LabCorp); PubMed 37529773 (cited by Mayo Clinic Laboratories, Mayo Clinic); PubMed 9829912 (cited by 3 submitters); PubMed 20660572 (cited by Ambry Genetics and Laboratory for Molecular Medicine, Mass General Brigham Personalized Medicine).

NM_000551.4(VHL):c.467A>G (p.Tyr156Cys)

Genes: VHL (von Hippel-Lindau tumor suppressor; plus strand), LOC107303340 (3p25 von Hippel-Lindau tumor suppressor, E3 ubiquitin protein ligase Alu-mediated recombination region; plus strand). Cytogenetic location: 3p25.3.
Variant type: single nucleotide variant.
Coding change: c.467A>G on transcript NM_000551.4 (MANE Select); coding-DNA position 467, A replaced by G.
Protein change: p.Tyr156Cys; replaces tyrosine 156 with cysteine.
Molecular consequence: missense variant. On other transcripts: 3 prime UTR variant (1).
Genome position (GRCh38, 1-based): chr3:10,149,790, A>G. VCF-style: chr3-10149790-A-G. GRCh37 (hg19) VCF-style: chr3-10191474-A-G.
Other names: c.*21A>G (NM_001354723.2); c.344A>G, p.Tyr115Cys (NM_198156.3); short protein forms Y156C, Y115C.
Identifiers: ClinVar variation 43600 (VCV000043600.24), dbSNP rs397516441, ClinGen allele CA020394.